The following is an entry in ClinVar:

NM_002775.5(HTRA1):c.434C>A (p.Pro145Gln)

Gene: HTRA1 (HtrA serine peptidase 1; plus strand). Cytogenetic location: 10q26.13.
Variant type: single nucleotide variant.
Coding change: c.434C>A on transcript NM_002775.5 (MANE Select); coding-DNA position 434, C replaced by A.
Protein change: p.Pro145Gln; replaces proline 145 with glutamine.
Molecular consequence: missense variant.
Genome position (GRCh38, 1-based): chr10:122,462,086, C>A. VCF-style: chr10-122462086-C-A. GRCh37 (hg19) VCF-style: chr10-124221602-C-A.
Other names: c.434C>A (NM_002775.4); short protein forms P145Q.
Identifiers: ClinVar variation 1441450 (VCV001441450.7), dbSNP rs952385517, ClinGen allele CA214415455.

ClinVar aggregate classification (germline): Uncertain significance. Review status: criteria provided, multiple submitters, no conflicts (2 of 4 stars). 2 submissions from 2 submitters: Uncertain significance (2). Last evaluated 2025-07-31.

Conditions:
Inborn genetic diseases. Identifiers: MedGen C0950123, MeSH D030342.

Allele frequency attached by ClinVar (database versions not stated): gnomAD exomes 0.00001; TOPMed 0.00002.
gnomAD v4.1: 6 of 1,534,280 alleles (0.00039%); highest among the groups gnomAD compares: South Asian, 0.0024%; no homozygotes.

Submissions (2):

Labcorp Genetics (formerly Invitae), Labcorp
Classification: Uncertain significance. Last evaluated: 2025-07-31. Review status: criteria provided, single submitter. Criteria: Invitae Variant Classification Sherloc (09022015). Collection method: clinical testing. Allele origin: germline.
Comment: This sequence change replaces proline, which is neutral and non-polar, with glutamine, which is neutral and polar, at codon 145 of the HTRA1 protein (p.Pro145Gln). The frequency data for this variant in the population databases is considered unreliable, as metrics indicate poor data quality at this position in the gnomAD database. This variant has not been reported in the literature in individuals affected with HTRA1-related conditions. ClinVar contains an entry for this variant (Variation ID: 1441450). Invitae Evidence Modeling of protein sequence and biophysical properties (such as structural, functional, and spatial information, amino acid conservation, physicochemical variation, residue mobility, and thermodynamic stability) has been performed for this missense variant. However, the output from this modeling did not meet the statistical confidence thresholds required to predict the impact of this variant on HTRA1 protein function. In summary, the available evidence is currently insufficient to determine the role of this variant in disease. Therefore, it has been classified as a Variant of Uncertain Significance.

Ambry Genetics
Classification: Uncertain significance for Inborn genetic diseases. Last evaluated: 2022-09-07. Review status: criteria provided, single submitter. Criteria: Ambry Variant Classification Scheme 2023. Collection method: clinical testing. Allele origin: germline.